The following is an entry in ClinVar:

NM_000153.4(GALC):c.1033+3A>G

Gene: GALC (galactosylceramidase; minus strand). Cytogenetic location: 14q31.3.
Variant type: single nucleotide variant.
Coding change: c.1033+3A>G on transcript NM_000153.4 (MANE Select); 3 bases into the intron after coding-DNA position 1033, A replaced by G.
Molecular consequence: intron variant.
Genome position (GRCh38, 1-based): chr14:87,965,502, T>C on the plus strand (A>G on the coding strand, the complement: GALC is on the minus strand). VCF-style: chr14-87965502-T-C. GRCh37 (hg19) VCF-style: chr14-88431846-T-C.
Other names: c.400+3A>G (NM_001424076.1, NM_001424077.1); c.955+3A>G (NM_001201402.2); c.964+3A>G (NM_001201401.2); c.685+3A>G (NM_001424075.1, NM_001424074.1); c.865+3A>G (NM_001424072.1, NM_001424073.1, NM_001424071.1).
Identifiers: ClinVar variation 3368905 (VCV003368905.1).
Genomic context (GRCh38, chr14:87,965,502, plus strand): 5'-GTTTTTTTCTGCTTTGTCTCTTAGAGAAGAATTTAGGGAGTGAGAGATGGAACTGAACCA[T>C]ACCTGATACCCAGACAGGAGATTCTACCACGTAGTGCCCACTCCATGGCTCCTGGGCCGT-3'

ClinVar aggregate classification (germline): Uncertain significance (1 of 4 stars; one submission).

Submission:

GeneDx
Classification: Uncertain significance. Last evaluated: 2024-02-07. Review status: criteria provided, single submitter. Criteria: GeneDx Variant Classification Process June 2021. Collection method: clinical testing. Allele origin: germline. Affected: yes.
Comment: Has not been previously published as pathogenic or benign to our knowledge; Not observed at significant frequency in large population cohorts (gnomAD); In silico analysis supports a deleterious effect on splicing